The following is an entry in ClinVar:

NM_177438.3(DICER1):c.145-13A>G

Gene: DICER1 (dicer 1, ribonuclease III; minus strand). Cytogenetic location: 14q32.13.
Variant type: single nucleotide variant.
Coding change: c.145-13A>G on transcript NM_177438.3 (MANE Select); 13 bases into the intron before coding-DNA position 145, A replaced by G.
Molecular consequence: intron variant.
Genome position (GRCh38, 1-based): chr14:95,132,690, T>C on the plus strand (A>G on the coding strand, the complement: DICER1 is on the minus strand). VCF-style: chr14-95132690-T-C. GRCh37 (hg19) VCF-style: chr14-95599027-T-C.
Other names: c.145-13A>G (NM_001291628.2, NM_030621.4, NM_001271282.3 and 1 more transcripts).
Identifiers: ClinVar variation 1534120 (VCV001534120.11), dbSNP rs1894058237, ClinGen allele CA2156320397.

ClinVar aggregate classification (germline): Likely benign. Review status: criteria provided, multiple submitters, no conflicts (2 of 4 stars). 3 submissions from 3 submitters: Likely benign (3). Last evaluated 2026-08-17.

Conditions:
DICER1-related tumor predisposition. Also called: DICER1-related pleuropulmonary blastoma cancer predisposition syndrome; DICER1 syndrome. Identifiers: Orphanet 284343, MedGen C3839822, MONDO:0100216.

Allele frequency attached by ClinVar (database versions not stated): TOPMed 0.00001.

Submissions (3):

Myriad Genetics, Inc.
Classification: Likely benign for DICER1-related tumor predisposition. Last evaluated: 2026-08-17. Review status: criteria provided, single submitter. Criteria: Myriad Autosomal Dominant, Autosomal Recessive and X-Linked Classification Criteria (2023). Collection method: clinical testing. Allele origin: unknown.
Comment: This variant is considered likely benign. This variant is intronic and is not expected to impact mRNA splicing.

Labcorp Genetics (formerly Invitae), Labcorp
Classification: Likely benign for DICER1-related tumor predisposition. Last evaluated: 2025-11-10. Review status: criteria provided, single submitter. Criteria: Invitae Variant Classification Sherloc (09022015). Collection method: clinical testing. Allele origin: germline.

Blueprint Genetics
Classification: Likely benign. Last evaluated: 2022-07-17. Review status: criteria provided, single submitter. Criteria: ACMG Guidelines, 2015. Collection method: clinical testing. Allele origin: germline.